The following is an entry in ClinVar:

ClinVar aggregate classification (germline): Pathogenic (1 of 4 stars; one submission).

Conditions:
Intellectual disability, autosomal dominant 24 (VSVS). Also called: VULTO-VAN SILFHOUT-DE VRIES SYNDROME. Identifiers: MedGen C4014414, MONDO:0014357, OMIM 615828.

Submission:

Victorian Clinical Genetics Services, Murdoch Childrens Research Institute
Classification: Pathogenic for Intellectual disability, autosomal dominant 24. Last evaluated: 2020-05-21. Review status: criteria provided, single submitter. Criteria: ACMG Guidelines, 2015. Collection method: clinical testing. Allele origin: germline. Inheritance: Autosomal dominant inheritance. Affected: yes.
Comment: Based on the classification scheme VCGS_Germline_v1.1.1, this variant is classified as Pathogenic. Following criteria are met: 0102 - Loss-of-function is a known mechanism of disease for this gene. (N) 0104 - Dominant Negative is a mechanism of disease for this gene. (N) 0108 - This gene is known to be associated with both recessive and dominant disease (OMIM). (N) 0200 - Variant is predicted to result in a missense amino acid change from threonine to proline (exon 4). (N) 0251 - Variant is heterozygous. (N) 0301 - Variant is absent from gnomAD. (P) 0502 - Missense variant with conflicting in-silico predictions and/or uninformative conservation. (N) 0601 - Variant affects at least one well-established (essential) functional domain or motif (SAND domain; PMID:30923367). (P) 0705 - No comparable variants have previous evidence for pathogenicity. (N) 0801 - Strong previous evidence of pathogenicity in two unrelated individuals (both de novo; PMID:30923367, Decipher). (P) 0905 - No segregation evidence has been identified for this variant. (N) 1001 - Strong functional evidence supporting abnormal protein function. Variant altered promoter activity. (PMID:30923367). (P) 1208 - Inheritance information for this variant is not currently available. (N) Legend: (P) - Pathogenic, (N) - Neutral, (B) - Benign

Literature cited by the submitters: PubMed 30923367.

NM_021008.4(DEAF1):c.637A>C (p.Thr213Pro)

Gene: DEAF1 (DEAF1 transcription factor; minus strand). Cytogenetic location: 11p15.5.
Variant type: single nucleotide variant.
Coding change: c.637A>C on transcript NM_021008.4 (MANE Select); coding-DNA position 637, A replaced by C.
Protein change: p.Thr213Pro; replaces threonine 213 with proline.
Molecular consequence: missense variant. On other transcripts: 5 prime UTR variant (1).
Genome position (GRCh38, 1-based): chr11:687,938, T>G on the plus strand (A>C on the coding strand, the complement: DEAF1 is on the minus strand). VCF-style: chr11-687938-T-G. GRCh37 (hg19) VCF-style: chr11-687938-T-G.
Other names: c.637A>C, p.Thr213Pro (NM_001293634.2); c.-90A>C (NM_001367390.1); short protein forms T213P.
Identifiers: ClinVar variation 3376599 (VCV003376599.1).
Genomic context (GRCh38, chr11:687,938, plus strand): 5'-TACAACTTTGGAGTCTGAAGTGGCAGTCCTCACCTGAGCCGAGCCTGTTCTTGTACAGAG[T>G]GCCGCTGATGTTCCGGCACCGTACGGGCAGCTCACTGTCGTACACAGAAGGGTCCCAGTT-3'
Protein context (NP_066288.2, residues 203-223): LPVRCRNISG[Thr213Pro]LYKNRLGSGG